The following is an entry in ClinVar:

ClinVar aggregate classification (germline): Uncertain significance. Review status: criteria provided, multiple submitters, no conflicts (2 of 4 stars). 2 submissions from 2 submitters: Uncertain significance (2). Last evaluated 2025-01-06.

Conditions:
Charcot-Marie-Tooth disease axonal type 2O. Also called: CHARCOT-MARIE-TOOTH NEUROPATHY, AXONAL, TYPE 2O; CHARCOT-MARIE-TOOTH DISEASE, AXONAL, AUTOSOMAL DOMINANT, TYPE 2O; Charcot-Marie-Tooth Neuropathy Type 2O; Charcot-Marie-Tooth disease, axonal, type 20. Identifiers: Orphanet 284232, MedGen C3280220, MONDO:0013644, OMIM 614228.

Submissions (2):

Labcorp Genetics (formerly Invitae), Labcorp
Classification: Uncertain significance for Charcot-Marie-Tooth disease axonal type 2O. Last evaluated: 2025-01-06. Review status: criteria provided, single submitter. Criteria: Invitae Variant Classification Sherloc (09022015). Collection method: clinical testing. Allele origin: germline.
Comment: This sequence change replaces leucine, which is neutral and non-polar, with serine, which is neutral and polar, at codon 1811 of the DYNC1H1 protein (p.Leu1811Ser). This variant is not present in population databases (gnomAD no frequency). This variant has not been reported in the literature in individuals affected with DYNC1H1-related conditions. ClinVar contains an entry for this variant (Variation ID: 3013010). An algorithm developed to predict the effect of missense changes on protein structure and function (PolyPhen-2) suggests that this variant is likely to be disruptive. In summary, the available evidence is currently insufficient to determine the role of this variant in disease. Therefore, it has been classified as a Variant of Uncertain Significance.

CeGaT Center for Human Genetics Tuebingen
Classification: Uncertain significance. Last evaluated: 2024-10-01. Review status: criteria provided, single submitter. Criteria: CeGaT Center For Human Genetics Tuebingen Variant Classification Criteria Version 2. Collection method: clinical testing. Allele origin: germline. Affected: yes. Observed: 1 variant allele.
Comment: DYNC1H1: PM2, PP2

NM_001376.5(DYNC1H1):c.5432T>C (p.Leu1811Ser)

Gene: DYNC1H1 (dynein cytoplasmic 1 heavy chain 1; plus strand). Cytogenetic location: 14q32.31.
Variant type: single nucleotide variant.
Coding change: c.5432T>C on transcript NM_001376.5 (MANE Select); coding-DNA position 5432, T replaced by C.
Protein change: p.Leu1811Ser; replaces leucine 1811 with serine.
Molecular consequence: missense variant.
Genome position (GRCh38, 1-based): chr14:102,005,235, T>C. VCF-style: chr14-102005235-T-C. GRCh37 (hg19) VCF-style: chr14-102471572-T-C.
Other names: short protein forms L1811S.
Identifiers: ClinVar variation 3013010 (VCV003013010.17), dbSNP rs2503740199, ClinGen allele CA391047031.